The following is an entry in ClinVar:

NM_001365276.2(TNXB):c.1409G>A (p.Cys470Tyr)

Gene: TNXB (tenascin XB; minus strand). Cytogenetic location: 6p21.33.
Variant type: single nucleotide variant.
Coding change: c.1409G>A on transcript NM_001365276.2 (MANE Select); coding-DNA position 1409, G replaced by A.
Protein change: p.Cys470Tyr; replaces cysteine 470 with tyrosine.
Molecular consequence: missense variant.
Genome position (GRCh38, 1-based): chr6:32,096,444, C>T on the plus strand (G>A on the coding strand, the complement: TNXB is on the minus strand). VCF-style: chr6-32096444-C-T. GRCh37 (hg19) VCF-style: chr6-32064221-C-T.
Other names: c.1409G>A, p.Cys470Tyr (NM_001428335.1, NM_019105.8); short protein forms C470Y.
Identifiers: ClinVar variation 3227237 (VCV003227237.1), dbSNP rs999276211, ClinGen allele CA136906107.

ClinVar aggregate classification (germline): Uncertain significance (1 of 4 stars; one submission).

Conditions:
Cardiovascular phenotype. Identifiers: MedGen CN230736.

Allele frequency attached by ClinVar (database versions not stated): TOPMed 0.00001; gnomAD 0.00002.

Submission:

Ambry Genetics
Classification: Uncertain significance for Cardiovascular phenotype. Last evaluated: 2023-10-01. Review status: criteria provided, single submitter. Criteria: Ambry Variant Classification Scheme 2023. Collection method: clinical testing. Allele origin: germline.
Comment: The p.C470Y variant (also known as c.1409G>A), located in coding exon 2 of the TNXB gene, results from a G to A substitution at nucleotide position 1409. The cysteine at codon 470 is replaced by tyrosine, an amino acid with highly dissimilar properties. This amino acid position is conserved. In addition, the in silico prediction for this alteration is inconclusive. Since supporting evidence is limited at this time, the clinical significance of this alteration remains unclear.